The following is an entry in ClinVar:

NM_020320.5(RARS2):c.839dup (p.Leu280fs)

Gene: RARS2 (arginyl-tRNA synthetase 2, mitochondrial; minus strand). Cytogenetic location: 6q15.
Variant type: Duplication.
Coding change: c.839dup on transcript NM_020320.5 (MANE Select); coding-DNA position 839, one base duplicated (T; older notation c.839dupT).
Protein change: p.Leu280fs; shifts the reading frame from leucine 280.
Molecular consequence: frameshift variant. On other transcripts: non-coding transcript variant (23).
Genome position (GRCh38, 1-based): chr6:87,529,581, A duplicated on the plus strand (T on the coding strand, the reverse complement: RARS2 is on the minus strand); the first of 2 consecutive A bases (chr6:87,529,581-87,529,582); duplicating either gives the same sequence. VCF-style (leftmost placement, unchanged base first): chr6-87529580-T-TA. GRCh37 (hg19) VCF-style: chr6-88239298-T-TA.
Other names: c.314dup, p.Leu105fs (NM_001318785.2, NM_001350506.2, NM_001350507.2 and 4 more transcripts); c.839dup, p.Leu280fs (NM_001350505.2); short protein forms L105fs, L280fs.
Identifiers: ClinVar variation 2168564 (VCV002168564.5), dbSNP rs1188006437, ClinGen allele CA568700966.
Genomic context (GRCh38, chr6:87,529,580, plus strand): 5'-AAGAATAGTAACCTGATCATACATTGTTTTCAGTAGGAGTCCTTTACTCTCCAGCAACTT[T>TA]AAGACCTCTTGAGATTTTTCACGATAAAATGATTCTCCTGAATATTCATCAAAATATACT-3'

ClinVar aggregate classification (germline): Pathogenic/Likely pathogenic. Review status: criteria provided, multiple submitters, no conflicts (2 of 4 stars). 2 submissions from 2 submitters: Pathogenic (1); Likely pathogenic (1). Last evaluated 2024-02-09.

Conditions:
Pontocerebellar hypoplasia type 6 (PCH6). Identifiers: Orphanet 166073, MedGen C1969084, MONDO:0012683, OMIM 611523.

Submissions (2):

Fulgent Genetics
Classification: Likely pathogenic for Pontocerebellar hypoplasia type 6. Last evaluated: 2024-02-09. Review status: criteria provided, single submitter. Criteria: ACMG Guidelines, 2015. Collection method: clinical testing. Allele origin: germline.

Labcorp Genetics (formerly Invitae), Labcorp
Classification: Pathogenic. Last evaluated: 2022-09-04. Review status: criteria provided, single submitter. Criteria: Invitae Variant Classification Sherloc (09022015). Collection method: clinical testing. Allele origin: germline.
Comment: This sequence change creates a premature translational stop signal (p.Leu280Phefs*7) in the RARS2 gene. It is expected to result in an absent or disrupted protein product. Loss-of-function variants in RARS2 are known to be pathogenic (PMID: 17847012, 22569581, 26083569). For these reasons, this variant has been classified as Pathogenic. This variant has not been reported in the literature in individuals affected with RARS2-related conditions. This variant is present in population databases (no rsID available, gnomAD 0.0009%).

Literature cited by the submitters: PubMed 17847012 (cited by Labcorp Genetics (formerly Invitae), Labcorp); PubMed 22569581 (cited by Labcorp Genetics (formerly Invitae), Labcorp); PubMed 26083569 (cited by Labcorp Genetics (formerly Invitae), Labcorp).